The following is an entry in ClinVar:

NM_001366686.3(SIK3):c.1552T>C (p.Leu518=)

Gene: SIK3 (SIK family kinase 3; minus strand). Cytogenetic location: 11q23.3.
Variant type: single nucleotide variant.
Coding change: c.1552T>C on transcript NM_001366686.3 (MANE Select); coding-DNA position 1552, T replaced by C.
Protein change: p.Leu518=; no amino-acid change (leucine 518 retained).
Molecular consequence: synonymous variant.
Genome position (GRCh38, 1-based): chr11:116,873,932, A>G on the plus strand (T>C on the coding strand, the complement: SIK3 is on the minus strand). VCF-style: chr11-116873932-A-G. GRCh37 (hg19) VCF-style: chr11-116744648-A-G.
Other names: c.1552T>C (NM_025164.4); c.1075T>C, p.Leu359= (NM_001281748.3); c.1408T>C, p.Leu470= (NM_001281749.3); c.1552T>C, p.Leu518= (NM_025164.6).
Identifiers: ClinVar variation 2642402 (VCV002642402.26), dbSNP rs55767986, ClinGen allele CA6290626.
Genomic context (GRCh38, chr11:116,873,932, plus strand): 5'-CTGGAGCCAGCCCTCTTCCATGTCTAGGTACCTTGTACTCAAGTTGCCCGGTTGGTTGCA[A>G]GTTTTGCATAGGCAACAGGTTGTGCATGAAGTTCACATTAGGGGCCACCTGCAGGAATGG-3'
Protein context (NP_001353615.1, residues 508-528): FMHNLLPMQN[Leu518=]QPTGQLEYKE

ClinVar aggregate classification (germline): Likely benign. Review status: criteria provided, multiple submitters, no conflicts (2 of 4 stars). 3 submissions from 3 submitters: Likely benign (2). 1 of the submissions does not count toward it. Last evaluated 2024-11-23.

Conditions:
SIK3-related disorder. Also called: SIK3-related condition.

Allele frequency attached by ClinVar (database versions not stated): 1000 Genomes Project 30x 0.00094; 1000 Genomes Project 0.00120; TOPMed 0.00181; ESP Exome Variant Server 0.00208; ExAC 0.00288; gnomAD 0.00292.
gnomAD v4.1: 5,092 of 1,613,240 alleles (0.32%); highest among the groups gnomAD compares: Non-Finnish European, 0.34%; 23 homozygotes.

Submissions (3):

Blueprint Genetics
Classification: Likely benign. Last evaluated: 2024-11-23. Review status: criteria provided, single submitter. Criteria: ACMG Guidelines, 2015. Collection method: clinical testing. Allele origin: germline.

CeGaT Center for Human Genetics Tuebingen
Classification: Likely benign. Last evaluated: 2024-09-01. Review status: criteria provided, single submitter. Criteria: CeGaT Center For Human Genetics Tuebingen Variant Classification Criteria Version 2. Collection method: clinical testing. Allele origin: germline. Affected: yes. Observed: 2 variant alleles.
Comment: SIK3: BP4, BP7

PreventionGenetics, part of Exact Sciences
Classification: Benign for SIK3-related condition. Last evaluated: 2019-06-23. Review status: no assertion criteria provided. Collection method: clinical testing. Allele origin: germline. Not counted in ClinVar's aggregate classification.
Comment: This variant is classified as benign based on ACMG/AMP sequence variant interpretation guidelines (Richards et al. 2015 PMID: 25741868, with internal and published modifications).